The following is an entry in ClinVar:

ClinVar aggregate classification (germline): Likely benign. Review status: criteria provided, single submitter (1 of 4 stars). 2 submissions from 2 submitters: Likely benign (1). 1 of the submissions does not count toward it. Last evaluated 2024-02-04.

Conditions:
PCNT-related disorder. Also called: PCNT-related condition.

Allele frequency attached by ClinVar (database versions not stated): gnomAD exomes 0.00003 and 0.00007; TOPMed 0.00003; ExAC 0.00004; gnomAD 0.00006.
gnomAD v4.1: 110 of 1,612,136 alleles (0.0068%); highest among the groups gnomAD compares: Non-Finnish European, 0.0086%; no homozygotes.

Submissions (2):

Labcorp Genetics (formerly Invitae), Labcorp
Classification: Likely benign. Last evaluated: 2024-02-04. Review status: criteria provided, single submitter. Criteria: Invitae Variant Classification Sherloc (09022015). Collection method: clinical testing. Allele origin: germline.

PreventionGenetics, part of Exact Sciences
Classification: Likely benign for PCNT-related condition. Last evaluated: 2021-06-09. Review status: no assertion criteria provided. Collection method: clinical testing. Allele origin: germline. Not counted in ClinVar's aggregate classification.
Comment: This variant is classified as likely benign based on ACMG/AMP sequence variant interpretation guidelines (Richards et al. 2015 PMID: 25741868, with internal and published modifications).

NM_006031.6(PCNT):c.8244G>A (p.Ala2748=)

Gene: PCNT (pericentrin; plus strand). Cytogenetic location: 21q22.3.
Variant type: single nucleotide variant.
Coding change: c.8244G>A on transcript NM_006031.6 (MANE Select); coding-DNA position 8244, G replaced by A.
Protein change: p.Ala2748=; no amino-acid change (alanine 2748 retained).
Molecular consequence: synonymous variant.
Genome position (GRCh38, 1-based): chr21:46,431,708, G>A. VCF-style: chr21-46431708-G-A. GRCh37 (hg19) VCF-style: chr21-47851622-G-A.
Other names: c.7890G>A, p.Ala2630= (NM_001315529.2); c.8244G>A (NM_006031.5).
Identifiers: ClinVar variation 1649884 (VCV001649884.9), dbSNP rs748701723, ClinGen allele CA10080921.